The following is an entry in ClinVar:

NM_004304.5(ALK):c.788G>C (p.Gly263Ala)

Gene: ALK (ALK receptor tyrosine kinase; minus strand). Cytogenetic location: 2p23.2.
Variant type: single nucleotide variant.
Coding change: c.788G>C on transcript NM_004304.5 (MANE Select); coding-DNA position 788, G replaced by C.
Protein change: p.Gly263Ala; replaces glycine 263 with alanine.
Molecular consequence: missense variant.
Genome position (GRCh38, 1-based): chr2:29,695,014, C>G on the plus strand (G>C on the coding strand, the complement: ALK is on the minus strand). VCF-style: chr2-29695014-C-G. GRCh37 (hg19) VCF-style: chr2-29917880-C-G.
Other names: short protein forms G263A.
Identifiers: ClinVar variation 2856669 (VCV002856669.3), dbSNP rs2148290078, ClinGen allele CA346587148.

ClinVar aggregate classification (germline): Uncertain significance (1 of 4 stars; one submission).

Conditions:
Neuroblastoma, susceptibility to, 3. Also called: ALK-Related Neuroblastic Tumor Susceptibility. Identifiers: Orphanet 635, MedGen C2751681, MONDO:0013083, OMIM 613014.

Submission:

Labcorp Genetics (formerly Invitae), Labcorp
Classification: Uncertain significance for Neuroblastoma, susceptibility to, 3. Last evaluated: 2025-12-24. Review status: criteria provided, single submitter. Criteria: Invitae Variant Classification Sherloc (09022015). Collection method: clinical testing. Allele origin: germline.
Comment: This sequence change replaces glycine, which is neutral and non-polar, with alanine, which is neutral and non-polar, at codon 263 of the ALK protein (p.Gly263Ala). This variant is not present in population databases (gnomAD no frequency). This variant has not been reported in the literature in individuals affected with ALK-related conditions. ClinVar contains an entry for this variant (Variation ID: 2856669). An algorithm developed to predict the effect of missense changes on protein structure and function (PolyPhen-2) suggests that this variant is likely to be tolerated. In summary, the available evidence is currently insufficient to determine the role of this variant in disease. Therefore, it has been classified as a Variant of Uncertain Significance.